The following is an entry in ClinVar:

NM_004380.3(CREBBP):c.1802G>A (p.Arg601Gln)

Gene: CREBBP (CREB binding protein; minus strand). Cytogenetic location: 16p13.3.
Variant type: single nucleotide variant.
Coding change: c.1802G>A on transcript NM_004380.3 (MANE Select); coding-DNA position 1802, G replaced by A.
Protein change: p.Arg601Gln; replaces arginine 601 with glutamine.
Molecular consequence: missense variant.
Genome position (GRCh38, 1-based): chr16:3,780,753, C>T on the plus strand (G>A on the coding strand, the complement: CREBBP is on the minus strand). VCF-style: chr16-3780753-C-T. GRCh37 (hg19) VCF-style: chr16-3830754-C-T.
Other names: c.1688G>A, p.Arg563Gln (NM_001079846.1); short protein forms R563Q, R601Q.
Identifiers: ClinVar variation 1306185 (VCV001306185.2), dbSNP rs2141245218, ClinGen allele CA394556372.
Genomic context (GRCh38, chr16:3,780,753, plus strand): 5'-AAAATCAAACATCTATGAAACTGCAAAACTGTTACGTACAGTTTATGCACTAGATGGCTC[C>T]GCAGGTCCTGAGTGACATGTTCGTGCCAGCCTTTCCTTACACCGGTGCTAGAAGGAGGAG-3'
Protein context (NP_004371.2, residues 591-611): GWHEHVTQDL[Arg601Gln]SHLVHKLVQA

ClinVar aggregate classification (germline): Uncertain significance (1 of 4 stars; one submission).

Submission:

GeneDx
Classification: Uncertain significance. Last evaluated: 2019-05-31. Review status: criteria provided, single submitter. Criteria: GeneDx Variant Classification Process June 2021. Collection method: clinical testing. Allele origin: germline. Affected: yes.
Comment: Not observed in large population cohorts (Lek et al., 2016); In silico analysis, which includes protein predictors and evolutionary conservation, supports a deleterious effect; Has not been previously published as pathogenic or benign to our knowledge